The following is an entry in ClinVar:

NM_000053.4(ATP7B):c.2491G>A (p.Val831Ile)

Gene: ATP7B (ATPase copper transporting beta; minus strand). Cytogenetic location: 13q14.3.
Variant type: single nucleotide variant.
Coding change: c.2491G>A on transcript NM_000053.4 (MANE Select); coding-DNA position 2491, G replaced by A.
Protein change: p.Val831Ile; replaces valine 831 with isoleucine.
Molecular consequence: missense variant.
Genome position (GRCh38, 1-based): chr13:51,950,356, C>T on the plus strand (G>A on the coding strand, the complement: ATP7B is on the minus strand). VCF-style: chr13-51950356-C-T. GRCh37 (hg19) VCF-style: chr13-52524492-C-T.
Other names: c.2005G>A, p.Val669Ile (NM_001005918.3, NM_001406541.1, NM_001406542.1 and 1 more transcripts); c.2158G>A, p.Val720Ile (NM_001243182.2); c.2257G>A, p.Val753Ile (NM_001330578.2, NM_001406527.1, NM_001406528.1 and 2 more transcripts); c.2239G>A, p.Val747Ile (NM_001330579.2, NM_001406531.1, NM_001406532.1 and 1 more transcripts); c.2491G>A, p.Val831Ile (NM_001406511.1, NM_001406512.1, NM_001406523.1 and 7 more transcripts); c.2347G>A, p.Val783Ile (NM_001406522.1, NM_001406520.1, NM_001406521.1 and 1 more transcripts); c.2314G>A, p.Val772Ile (NM_001406524.1); c.2251G>A, p.Val751Ile (NM_001406530.1); and 7 more; short protein forms V720I, V751I, V799I, V820I, V831I, V615I, V715I, V783I.
Identifiers: ClinVar variation 2067925 (VCV002067925.3), dbSNP rs374592960, ClinGen allele CA6988989.

ClinVar aggregate classification (germline): Uncertain significance. Review status: criteria provided, multiple submitters, no conflicts (2 of 4 stars). 3 submissions from 3 submitters: Uncertain significance (3). Last evaluated 2023-12-13.

Conditions:
Wilson disease (WND). Also called: Wilson's disease. Identifiers: Orphanet 905, MedGen C0019202, MONDO:0010200, OMIM 277900. Disease mechanism: loss of function.

Allele frequency attached by ClinVar (database versions not stated): gnomAD exomes 0.00001; ExAC 0.00002; gnomAD 0.00002; TOPMed 0.00002; ESP Exome Variant Server 0.00016.
gnomAD v4.1: 26 of 1,614,084 alleles (0.0016%); highest among the groups gnomAD compares: South Asian, 0.0044%; no homozygotes.

Submissions (3):

All of Us Research Program, National Institutes of Health
Classification: Uncertain significance for Wilson disease. Last evaluated: 2023-12-13. Review status: criteria provided, single submitter. Criteria: ACMG Guidelines, 2015. Collection method: clinical testing. Allele origin: germline. Inheritance: Autosomal recessive inheritance. Observed: 7 variant alleles, 7 heterozygotes.
Comment: This missense variant replaces valine with isoleucine at codon 831 of the ATP7B protein. Computational prediction suggests that this variant may not impact protein structure and function (internally defined REVEL score threshold <= 0.5, PMID: 27666373). To our knowledge, functional studies have not been reported for this variant. This variant has not been reported in individuals affected with Wilson disease in the literature. This variant has been identified in 9/280940 chromosomes in the general population by the Genome Aggregation Database (gnomAD). The available evidence is insufficient to determine the role of this variant in disease conclusively. Therefore, this variant is classified as a Variant of Uncertain Significance.

This study involves interpretation of variants in research participants for the purpose of population health screening. Participant phenotype was not available at the time of variant classification. Additional details can be found in publication PMID: 35346344, PMCID: PMC8962531

Color Diagnostics, LLC DBA Color Health
Classification: Uncertain significance for Wilson disease. Last evaluated: 2022-04-26. Review status: criteria provided, single submitter. Criteria: ACMG Guidelines, 2015. Collection method: clinical testing. Allele origin: germline.
Comment: This missense variant replaces valine with isoleucine at codon 831 of the ATP7B protein. Computational prediction suggests that this variant may not impact protein structure and function. To our knowledge, functional studies have not been reported for this variant. This variant has not been reported in individuals affected with Wilson disease in the literature. This variant has been identified in 9/280940 chromosomes in the general population by the Genome Aggregation Database (gnomAD). The available evidence is insufficient to determine the role of this variant in disease conclusively. Therefore, this variant is classified as a Variant of Uncertain Significance.

Labcorp Genetics (formerly Invitae), Labcorp
Classification: Uncertain significance for Wilson disease. Last evaluated: 2022-02-22. Review status: criteria provided, single submitter. Criteria: Invitae Variant Classification Sherloc (09022015). Collection method: clinical testing. Allele origin: germline.
Comment: This sequence change replaces valine, which is neutral and non-polar, with isoleucine, which is neutral and non-polar, at codon 831 of the ATP7B protein (p.Val831Ile). This variant is present in population databases (rs374592960, gnomAD 0.01%). This variant has not been reported in the literature in individuals affected with ATP7B-related conditions. Advanced modeling of protein sequence and biophysical properties (such as structural, functional, and spatial information, amino acid conservation, physicochemical variation, residue mobility, and thermodynamic stability) performed at Invitae indicates that this missense variant is not expected to disrupt ATP7B protein function. In summary, the available evidence is currently insufficient to determine the role of this variant in disease. Therefore, it has been classified as a Variant of Uncertain Significance.